The following is an entry in ClinVar:

NM_177438.3(DICER1):c.5158C>T (p.Leu1720Phe)

Gene: DICER1 (dicer 1, ribonuclease III; minus strand). Cytogenetic location: 14q32.13.
Variant type: single nucleotide variant.
Coding change: c.5158C>T on transcript NM_177438.3 (MANE Select); coding-DNA position 5158, C replaced by T.
Protein change: p.Leu1720Phe; replaces leucine 1720 with phenylalanine.
Molecular consequence: missense variant. On other transcripts: non-coding transcript variant (6).
Genome position (GRCh38, 1-based): chr14:95,094,094, G>A on the plus strand (C>T on the coding strand, the complement: DICER1 is on the minus strand). VCF-style: chr14-95094094-G-A. GRCh37 (hg19) VCF-style: chr14-95560431-G-A.
Other names: c.5158C>T, p.Leu1720Phe (NM_001195573.1, NM_001271282.3, NM_001291628.2 and 8 more transcripts); c.4876C>T, p.Leu1626Phe (NM_001395686.1); c.4753C>T, p.Leu1585Phe (NM_001395687.1, NM_001395688.1, NM_001395689.1 and 1 more transcripts); c.4591C>T, p.Leu1531Phe (NM_001395691.1); c.3475C>T, p.Leu1159Phe (NM_001395697.1); short protein forms L1159F, L1531F, L1585F, L1626F, L1720F.
Identifiers: ClinVar variation 4637797 (VCV004637797.1).

ClinVar aggregate classification (germline): Uncertain significance (1 of 4 stars; one submission).

Conditions:
Hereditary cancer-predisposing syndrome. Also called: Neoplastic Syndromes, Hereditary; Tumor predisposition; Hereditary Cancer Syndrome; Hereditary neoplastic syndrome. Identifiers: Orphanet 140162, MedGen C0027672, MeSH D009386, MONDO:0015356.

Submission:

Ambry Genetics
Classification: Uncertain significance for Hereditary cancer-predisposing syndrome. Last evaluated: 2025-11-29. Review status: criteria provided, single submitter. Criteria: Ambry Variant Classification Scheme 2023. Collection method: clinical testing. Allele origin: germline.
Comment: The p.L1720F variant (also known as c.5158C>T), located in coding exon 23 of the DICER1 gene, results from a C to T substitution at nucleotide position 5158. The leucine at codon 1720 is replaced by phenylalanine, an amino acid with highly similar properties. This amino acid position is conserved. In addition, this alteration is predicted to be deleterious by in silico analysis. Based on the available evidence, the clinical significance of this variant remains unclear.